The following is an entry in ClinVar:

ClinVar aggregate classification (germline): Uncertain significance (1 of 4 stars; one submission).

Submission:

Labcorp Genetics (formerly Invitae), Labcorp
Classification: Uncertain significance. Last evaluated: 2025-06-12. Review status: criteria provided, single submitter. Criteria: Invitae Variant Classification Sherloc (09022015). Collection method: clinical testing. Allele origin: germline.
Comment: This sequence change replaces threonine, which is neutral and polar, with serine, which is neutral and polar, at codon 92 of the NPAT protein (p.Thr92Ser). This variant is not present in population databases (gnomAD no frequency). This variant has not been reported in the literature in individuals affected with NPAT-related conditions. ClinVar contains an entry for this variant (Variation ID: 2997025). An algorithm developed to predict the effect of missense changes on protein structure and function (PolyPhen-2) suggests that this variant is likely to be disruptive. In summary, the available evidence is currently insufficient to determine the role of this variant in disease. Therefore, it has been classified as a Variant of Uncertain Significance.

NM_002519.3(NPAT):c.274A>T (p.Thr92Ser)

Gene: NPAT (nuclear protein, coactivator of histone transcription; minus strand). Cytogenetic location: 11q22.3.
Variant type: single nucleotide variant.
Coding change: c.274A>T on transcript NM_002519.3 (MANE Select); coding-DNA position 274, A replaced by T.
Protein change: p.Thr92Ser; replaces threonine 92 with serine.
Molecular consequence: missense variant.
Genome position (GRCh38, 1-based): chr11:108,192,134, T>A on the plus strand (A>T on the coding strand, the complement: NPAT is on the minus strand). VCF-style: chr11-108192134-T-A. GRCh37 (hg19) VCF-style: chr11-108062861-T-A.
Other names: c.274A>T, p.Thr92Ser (NM_001321307.1); short protein forms T92S.
Identifiers: ClinVar variation 2997025 (VCV002997025.3), dbSNP rs1379158105, ClinGen allele CA382526548.